The following is an entry in ClinVar:

ClinVar aggregate classification (germline): Uncertain significance (1 of 4 stars; one submission).

Submission:

Labcorp Genetics (formerly Invitae), Labcorp
Classification: Uncertain significance. Last evaluated: 2024-02-15. Review status: criteria provided, single submitter. Criteria: Invitae Variant Classification Sherloc (09022015). Collection method: clinical testing. Allele origin: germline.
Comment: This sequence change replaces histidine, which is basic and polar, with tyrosine, which is neutral and polar, at codon 303 of the RHOBTB2 protein (p.His303Tyr). This variant is not present in population databases (gnomAD no frequency). This variant has not been reported in the literature in individuals affected with RHOBTB2-related conditions. Advanced modeling of protein sequence and biophysical properties (such as structural, functional, and spatial information, amino acid conservation, physicochemical variation, residue mobility, and thermodynamic stability) has been performed at Invitae for this missense variant, however the output from this modeling did not meet the statistical confidence thresholds required to predict the impact of this variant on RHOBTB2 protein function. In summary, the available evidence is currently insufficient to determine the role of this variant in disease. Therefore, it has been classified as a Variant of Uncertain Significance.

NM_015178.3(RHOBTB2):c.841C>T (p.His281Tyr)

Gene: RHOBTB2 (Rho related BTB domain containing 2; plus strand). Cytogenetic location: 8p21.3.
Variant type: single nucleotide variant.
Coding change: c.841C>T on transcript NM_015178.3 (MANE Select); coding-DNA position 841, C replaced by T.
Protein change: p.His281Tyr; replaces histidine 281 with tyrosine.
Molecular consequence: missense variant.
Genome position (GRCh38, 1-based): chr8:23,007,086, C>T. VCF-style: chr8-23007086-C-T. GRCh37 (hg19) VCF-style: chr8-22864599-C-T.
Other names: c.907C>T, p.His303Tyr (NM_001160036.2); c.862C>T, p.His288Tyr (NM_001160037.2); c.841C>T, p.His281Tyr (NM_001374791.1); short protein forms H288Y, H281Y, H303Y.
Identifiers: ClinVar variation 3641049 (VCV003641049.2).